The following is an entry in ClinVar:

ClinVar aggregate classification (germline): Likely pathogenic (1 of 4 stars; one submission).

Conditions:
Meckel syndrome, type 1 (MKS1). Also called: MECKEL-GRUBER SYNDROME, TYPE 1. Identifiers: Orphanet 564, MedGen C3714506, MONDO:0009571, OMIM 249000.

Submission:

Women's Health and Genetics/Laboratory Corporation of America, LabCorp
Classification: Likely pathogenic for Meckel syndrome, type 1. Last evaluated: 2022-12-04. Review status: criteria provided, single submitter. Criteria: LabCorp Variant Classification Summary - May 2015. Collection method: clinical testing. Allele origin: germline.
Comment: Variant summary: MKS1 c.868_871delCGGC (p.Arg290ThrfsX9) results in a premature termination codon, predicted to cause a truncation of the encoded protein or absence of the protein due to nonsense mediated decay, which are commonly known mechanisms for disease. The variant allele was found at a frequency of 8e-06 in 249586 control chromosomes. To our knowledge, no occurrence of c.868_871delCGGC in individuals affected with Meckel Syndrome Type 1 and no experimental evidence demonstrating its impact on protein function have been reported. No clinical diagnostic laboratories have submitted clinical-significance assessments for this variant to ClinVar after 2014. Based on the evidence outlined above, the variant was classified as likely pathogenic.

NM_017777.4(MKS1):c.868_871del (p.Arg290fs)

Gene: MKS1 (MKS transition zone complex subunit 1; minus strand). Cytogenetic location: 17q22.
Variant type: Deletion.
Coding change: c.868_871del on transcript NM_017777.4 (MANE Select); coding-DNA positions 868 to 871, 4 bases deleted (CGGC; older notation c.868_871delCGGC).
Protein change: p.Arg290fs; shifts the reading frame from arginine 290.
Molecular consequence: frameshift variant.
Genome position (GRCh38, 1-based): chr17:58,212,422-58,212,425, GCCG deleted on the plus strand (CGGC on the coding strand, the reverse complement: MKS1 is on the minus strand); deleting any 4 consecutive bases within chr17:58,212,422-58,212,428 gives the same sequence; the c. name uses the placement nearest the transcript's 3' end. VCF-style (leftmost placement, unchanged base first): chr17-58212421-TGCCG-T. GRCh37 (hg19) VCF-style: chr17-56289782-TGCCG-T.
Other names: c.259_262del, p.Arg87fs (NM_001321268.2); c.868_871del, p.Arg290fs (NM_001321269.2, NM_001330397.2); c.865_868delGGCC, p.Arg290Thrfs (NM_001411113.1); c.868_871delCGGC (NM_017777.3); short protein forms R290fs, R87fs.
Identifiers: ClinVar variation 1878389 (VCV001878389.1), dbSNP rs1439561211, ClinGen allele CA626729919.